The following is an entry in ClinVar:

ClinVar aggregate classification (germline): Uncertain significance. Review status: criteria provided, multiple submitters, no conflicts (2 of 4 stars). 2 submissions from 2 submitters: Uncertain significance (2). Last evaluated 2026-01-22.

Allele frequency attached by ClinVar (database versions not stated): gnomAD 0.00003; TOPMed 0.00003; ESP Exome Variant Server 0.00008.
gnomAD v4.1: 17 of 1,613,900 alleles (0.0011%); highest among the groups gnomAD compares: South Asian, 0.011%; no homozygotes.

Submissions (2):

Labcorp Genetics (formerly Invitae), Labcorp
Classification: Uncertain significance. Last evaluated: 2026-01-22. Review status: criteria provided, single submitter. Criteria: Invitae Variant Classification Sherloc (09022015). Collection method: clinical testing. Allele origin: germline.
Comment: This sequence change replaces arginine, which is basic and polar, with glutamine, which is neutral and polar, at codon 162 of the TNFAIP3 protein (p.Arg162Gln). This variant is present in population databases (rs144788826, gnomAD 0.02%). This variant has not been reported in the literature in individuals affected with TNFAIP3-related conditions. ClinVar contains an entry for this variant (Variation ID: 1040847). An algorithm developed to predict the effect of missense changes on protein structure and function (PolyPhen-2) suggests that this variant is likely to be disruptive. In summary, the available evidence is currently insufficient to determine the role of this variant in disease. Therefore, it has been classified as a Variant of Uncertain Significance.

Mayo Clinic Laboratories, Mayo Clinic
Classification: Uncertain significance. Last evaluated: 2025-03-24. Review status: criteria provided, single submitter. Criteria: ACMG Guidelines, 2015. Collection method: clinical testing. Allele origin: germline. Observed: 1 variant allele.
Comment: BP4_moderate

NM_001270508.2(TNFAIP3):c.485G>A (p.Arg162Gln)

Gene: TNFAIP3 (TNF alpha induced protein 3; plus strand). Cytogenetic location: 6q23.3.
Variant type: single nucleotide variant.
Coding change: c.485G>A on transcript NM_001270508.2 (MANE Select); coding-DNA position 485, G replaced by A.
Protein change: p.Arg162Gln; replaces arginine 162 with glutamine.
Molecular consequence: missense variant.
Genome position (GRCh38, 1-based): chr6:137,875,034, G>A. VCF-style: chr6-137875034-G-A. GRCh37 (hg19) VCF-style: chr6-138196171-G-A.
Other names: p.Arg162Gln; c.485G>A, p.Arg162Gln (NM_001270507.2, NM_006290.4); short protein forms R162Q.
Identifiers: ClinVar variation 1040847 (VCV001040847.11), dbSNP rs144788826, ClinGen allele CA4019426.